The following is an entry in ClinVar:

ClinVar aggregate classification (germline): Uncertain significance (1 of 4 stars; one submission).

Submission:

Labcorp Genetics (formerly Invitae), Labcorp
Classification: Uncertain significance. Last evaluated: 2020-08-10. Review status: criteria provided, single submitter. Criteria: Invitae Variant Classification Sherloc (09022015). Collection method: clinical testing. Allele origin: germline.
Comment: In summary, the available evidence is currently insufficient to determine the role of this variant in disease. Therefore, it has been classified as a Variant of Uncertain Significance. This variant disrupts a region of the protein in which other variant(s) (p.Cys577Trp) have been observed in individuals with ADAMTS18-related conditions (PMID: 23818446). This suggests that this may be a clinically significant region of the ADAMTS18 protein. This variant has not been reported in the literature in individuals with ADAMTS18-related conditions. This variant is an in-frame deletion of the genomic region encompassing exon(s) 4-19 of the ADAMTS18 gene. It preserves the integrity of the reading frame.

Literature cited by the submitters: PubMed 23818446.

NC_000016.9:g.(?_77328820)_(77401620_?)del

Gene: ADAMTS18 (ADAM metallopeptidase with thrombospondin type 1 motif 18; minus strand). Cytogenetic location: 16q23.1.
Variant type: Deletion.
Identifiers: ClinVar variation 1004799 (VCV001004799.7).